The following is an entry in ClinVar:

ClinVar aggregate classification (germline): Uncertain significance (1 of 4 stars; one submission).

Conditions:
Norman-Roberts syndrome (LIS2). Also called: Lissencephaly 2 (Norman-Roberts type). Identifiers: Orphanet 89844, MedGen C0796089, MONDO:0009760, OMIM 257320.
Familial temporal lobe epilepsy 7. Identifiers: Orphanet 101046, MedGen C4225327, MONDO:0014639, OMIM 616436.

Submission:

Labcorp Genetics (formerly Invitae), Labcorp
Classification: Uncertain significance for Familial temporal lobe epilepsy 7; Norman-Roberts syndrome. Last evaluated: 2024-06-10. Review status: criteria provided, single submitter. Criteria: Invitae Variant Classification Sherloc (09022015). Collection method: clinical testing. Allele origin: germline.
Comment: This sequence change replaces valine, which is neutral and non-polar, with leucine, which is neutral and non-polar, at codon 2039 of the RELN protein (p.Val2039Leu). This variant is not present in population databases (gnomAD no frequency). This variant has not been reported in the literature in individuals affected with RELN-related conditions. Advanced modeling of protein sequence and biophysical properties (such as structural, functional, and spatial information, amino acid conservation, physicochemical variation, residue mobility, and thermodynamic stability) performed at Invitae indicates that this missense variant is not expected to disrupt RELN protein function with a negative predictive value of 80%. In summary, the available evidence is currently insufficient to determine the role of this variant in disease. Therefore, it has been classified as a Variant of Uncertain Significance.

NM_005045.4(RELN):c.6115G>C (p.Val2039Leu)

Gene: RELN (reelin; minus strand). Cytogenetic location: 7q22.1.
Variant type: single nucleotide variant.
Coding change: c.6115G>C on transcript NM_005045.4 (MANE Select); coding-DNA position 6115, G replaced by C.
Protein change: p.Val2039Leu; replaces valine 2039 with leucine.
Molecular consequence: missense variant.
Genome position (GRCh38, 1-based): chr7:103,551,254, C>G on the plus strand (G>C on the coding strand, the complement: RELN is on the minus strand). VCF-style: chr7-103551254-C-G. GRCh37 (hg19) VCF-style: chr7-103191701-C-G.
Other names: c.6115G>C, p.Val2039Leu (NM_173054.3); short protein forms V2039L.
Identifiers: ClinVar variation 3752394 (VCV003752394.2).
Genomic context (GRCh38, chr7:103,551,254, plus strand): 5'-AGCAGAGGGGCAGCAGAAGGTGCCAGGTCGCCCCGAAGTCCCTTGAAAATTCCAGTCTCA[C>G]TGGATCCGCGGATGAGCTATCAGTCGAACAGCCAACGTTGATCTTGGGGATGAAGAAAAA-3'
Protein context (NP_005036.2, residues 2029-2049): CSTDSSSADP[Val2039Leu]RLEFSRDFGA